The following is an entry in ClinVar:

ClinVar aggregate classification (germline): Pathogenic (1 of 4 stars; one submission).

Conditions:
Tuberous sclerosis 1 (TSC1). Identifiers: Orphanet 805, MedGen C1854465, MONDO:0008612, OMIM 191100.

Submission:

Labcorp Genetics (formerly Invitae), Labcorp
Classification: Pathogenic for Tuberous sclerosis 1. Last evaluated: 2022-03-29. Review status: criteria provided, single submitter. Criteria: Invitae Variant Classification Sherloc (09022015). Collection method: clinical testing. Allele origin: germline.
Comment: This variant is not present in population databases (gnomAD no frequency). For these reasons, this variant has been classified as Pathogenic. This variant has not been reported in the literature in individuals affected with TSC1-related conditions. This sequence change creates a premature translational stop signal (p.Leu714Serfs*10) in the TSC1 gene. It is expected to result in an absent or disrupted protein product. Loss-of-function variants in TSC1 are known to be pathogenic (PMID: 10227394, 17304050).

Literature cited by the submitters: PubMed 10227394; PubMed 17304050.

NM_000368.5(TSC1):c.2140del (p.Leu714fs)

Gene: TSC1 (TSC complex subunit 1; minus strand). Cytogenetic location: 9q34.13.
Variant type: Deletion.
Coding change: c.2140del on transcript NM_000368.5 (MANE Select); coding-DNA position 2140, one base deleted (C; older notation c.2140delC).
Protein change: p.Leu714fs; shifts the reading frame from leucine 714.
Molecular consequence: frameshift variant.
Genome position (GRCh38, 1-based): chr9:132,903,719, G deleted on the plus strand (C on the coding strand, the reverse complement: TSC1 is on the minus strand); the first of 3 consecutive G bases (chr9:132,903,719-132,903,721); deleting any one gives the same sequence. VCF-style (leftmost placement, unchanged base first): chr9-132903718-AG-A. GRCh37 (hg19) VCF-style: chr9-135779105-AG-A.
Other names: c.2137del, p.Leu713fs (NM_001162426.2); c.1987del, p.Leu663fs (NM_001162427.2); c.1777del, p.Leu593fs (NM_001362177.2); c.2138delC, p.Leu714Serfs (NM_001406592.1, NM_001406593.1, NM_001406594.1 and 5 more transcripts); c.2135delC, p.Leu713Serfs (NM_001406597.1, NM_001406598.1, NM_001406599.1 and 3 more transcripts); c.2123delC, p.Leu709Serfs (NM_001406601.1, NM_001406602.1); c.2120delC, p.Leu708Serfs (NM_001406603.1, NM_001406604.1); c.1985delC, p.Leu663Serfs (NM_001406610.1); and 6 more; short protein forms L663fs, L593fs, L714fs, L713fs.
Identifiers: ClinVar variation 2024144 (VCV002024144.4), dbSNP rs2538651561, ClinGen allele CA2580080150.
Genomic context (GRCh38, chr9:132,903,718, plus strand): 5'-GCATTATGTTCCTCCAGAGCTGCTGCTTTGATCACCTTGCGGAGGAGCCGCCTGTTCCGG[AG>A]GGCATGCTGCTGCCTCTTAAAACGCTCATAGAGTAACTGGTTGTGCAGTAAAAGCAACTG-3'